The following is an entry in ClinVar:

NM_001114753.3(ENG):c.1524G>C (p.Gln508His)

Genes: ENG (endoglin; minus strand), LOC102723566 (uncharacterized LOC102723566; plus strand). Cytogenetic location: 9q34.11.
Variant type: single nucleotide variant.
Coding change: c.1524G>C on transcript NM_001114753.3 (MANE Select); coding-DNA position 1524, G replaced by C.
Protein change: p.Gln508His; replaces glutamine 508 with histidine.
Molecular consequence: missense variant.
Genome position (GRCh38, 1-based): chr9:127,818,282, C>G on the plus strand (G>C on the coding strand, the complement: ENG is on the minus strand). VCF-style: chr9-127818282-C-G. GRCh37 (hg19) VCF-style: chr9-130580561-C-G.
Other names: c.1524G>C, p.Gln508His (NM_000118.4); c.978G>C, p.Gln326His (NM_001278138.2); short protein forms Q326H, Q508H.
Identifiers: ClinVar variation 4843452 (VCV004843452.1).

ClinVar aggregate classification (germline): Uncertain significance (1 of 4 stars; one submission).

Conditions:
Cardiovascular phenotype. Identifiers: MedGen CN230736.

Submission:

Ambry Genetics
Classification: Uncertain significance for Cardiovascular phenotype. Last evaluated: 2025-12-21. Review status: criteria provided, single submitter. Criteria: Ambry Variant Classification Scheme 2023. Collection method: clinical testing. Allele origin: germline.
Comment: The p.Q508H variant (also known as c.1524G>C), located in coding exon 12 of the ENG gene, results from a G to C substitution at nucleotide position 1524. The glutamine at codon 508 is replaced by histidine, an amino acid with highly similar properties. This amino acid position is conserved. In addition, this alteration is predicted to be tolerated by in silico analysis. Based on the available evidence, the clinical significance of this variant remains unclear.